The following is an entry in ClinVar:

ClinVar aggregate classification (germline): Pathogenic. Review status: criteria provided, multiple submitters, no conflicts (2 of 4 stars). 3 submissions from 3 submitters: Pathogenic (2). 1 of the submissions does not count toward it. Last evaluated 2026-01-05.

Conditions:
Charcot-Marie-Tooth disease, type I (CMT1). Also called: Charcot-Marie-Tooth, Type 1; Charcot-Marie-Tooth disease type 1. Identifiers: Orphanet 65753, MedGen C0751036, MONDO:0019011.
Dejerine-Sottas disease. Also called: Hereditary motor and sensory neuropathy 3; HEREDITARY MOTOR AND SENSORY NEUROPATHY TYPE III; HMSN Type III; Charcot-Marie-Tooth disease type 3; DEJERINE-SOTTAS NEUROPATHY. Identifiers: Orphanet 64748, MedGen C0011195, MONDO:0007790, OMIM 145900.

Submissions (3):

Labcorp Genetics (formerly Invitae), Labcorp
Classification: Pathogenic for Charcot-Marie-Tooth disease, type I. Last evaluated: 2026-01-05. Review status: criteria provided, single submitter. Criteria: Invitae Variant Classification Sherloc (09022015). Collection method: clinical testing. Allele origin: germline.
Comment: This sequence change replaces serine, which is neutral and polar, with arginine, which is basic and polar, at codon 149 of the PMP22 protein (p.Ser149Arg). This variant is not present in population databases (gnomAD no frequency). This missense change has been observed in individual(s) with autosomal dominant Dejerine-Sottas syndrome (PMID: 10663978). In at least one individual the variant was observed to be de novo. ClinVar contains an entry for this variant (Variation ID: 234605). Invitae Evidence Modeling of protein sequence and biophysical properties (such as structural, functional, and spatial information, amino acid conservation, physicochemical variation, residue mobility, and thermodynamic stability) indicates that this missense variant is expected to disrupt PMP22 protein function with a positive predictive value of 95%. For these reasons, this variant has been classified as Pathogenic.

GeneDx
Classification: Pathogenic. Last evaluated: 2023-12-17. Review status: criteria provided, single submitter. Criteria: GeneDx Variant Classification Process June 2021. Collection method: clinical testing. Allele origin: germline. Affected: yes.
Comment: Not observed at significant frequency in large population cohorts (gnomAD); In silico analysis supports that this missense variant has a deleterious effect on protein structure/function; This variant is associated with the following publications: (PMID: 23781966, 12402282, 10663978)

Inherited Neuropathy Consortium
Classification: Uncertain significance for Dejerine-Sottas disease. Review status: no assertion criteria provided. Collection method: literature only. Allele origin: germline. Affected: yes. Not counted in ClinVar's aggregate classification.

Literature cited by the submitters: PubMed 10663978 (cited by Labcorp Genetics (formerly Invitae), Labcorp and Inherited Neuropathy Consortium).

NM_000304.4(PMP22):c.447C>A (p.Ser149Arg)

Gene: PMP22 (peripheral myelin protein 22; minus strand). Cytogenetic location: 17p12.
Variant type: single nucleotide variant.
Coding change: c.447C>A on transcript NM_000304.4 (MANE Select); coding-DNA position 447, C replaced by A.
Protein change: p.Ser149Arg; replaces serine 149 with arginine.
Molecular consequence: missense variant. On other transcripts: non-coding transcript variant (2).
Genome position (GRCh38, 1-based): chr17:15,230,953, G>T on the plus strand (C>A on the coding strand, the complement: PMP22 is on the minus strand). VCF-style: chr17-15230953-G-T. GRCh37 (hg19) VCF-style: chr17-15134270-G-T.
Other names: c.447C>A, p.Ser149Arg (NM_001281455.2, NM_001281456.2, NM_153321.3 and 1 more transcripts); short protein forms S149R.
Identifiers: ClinVar variation 234605 (VCV000234605.6), dbSNP rs775019409, ClinGen allele CA10577555.